The following is an entry in ClinVar:

ClinVar aggregate classification (germline): Uncertain significance. Review status: criteria provided, multiple submitters, no conflicts (2 of 4 stars). 3 submissions from 3 submitters: Uncertain significance (3). Last evaluated 2024-12-06.

Conditions:
Inborn genetic diseases. Identifiers: MedGen C0950123, MeSH D030342.
Developmental and epileptic encephalopathy. Identifiers: MedGen C5779964, MONDO:0100620.

Allele frequency attached by ClinVar (database versions not stated): ExAC 0.00003; gnomAD exomes 0.00018; gnomAD 0.00027 and 0.00028; TOPMed 0.00031.

Submissions (3):

GeneDx
Classification: Uncertain significance. Last evaluated: 2024-12-06. Review status: criteria provided, single submitter. Criteria: GeneDx Variant Classification Process June 2021. Collection method: clinical testing. Allele origin: germline. Affected: yes.
Comment: In silico analysis supports that this missense variant has a deleterious effect on protein structure/function; Has not been previously published as pathogenic or benign to our knowledge

Ambry Genetics
Classification: Uncertain significance for Inborn genetic diseases. Last evaluated: 2024-12-05. Review status: criteria provided, single submitter. Criteria: Ambry Variant Classification Scheme 2023. Collection method: clinical testing. Allele origin: germline.

Labcorp Genetics (formerly Invitae), Labcorp
Classification: Uncertain significance for Early-infantile DEE. Last evaluated: 2023-10-13. Review status: criteria provided, single submitter. Criteria: Invitae Variant Classification Sherloc (09022015). Collection method: clinical testing. Allele origin: germline.
Comment: This sequence change replaces glycine, which is neutral and non-polar, with serine, which is neutral and polar, at codon 22 of the SLC25A22 protein (p.Gly22Ser). This variant is present in population databases (rs757575372, gnomAD 0.1%). This variant has not been reported in the literature in individuals affected with SLC25A22-related conditions. ClinVar contains an entry for this variant (Variation ID: 207158). Advanced modeling of protein sequence and biophysical properties (such as structural, functional, and spatial information, amino acid conservation, physicochemical variation, residue mobility, and thermodynamic stability) has been performed at Invitae for this missense variant, however the output from this modeling did not meet the statistical confidence thresholds required to predict the impact of this variant on SLC25A22 protein function. In summary, the available evidence is currently insufficient to determine the role of this variant in disease. Therefore, it has been classified as a Variant of Uncertain Significance.

NM_001191061.2(SLC25A22):c.64G>A (p.Gly22Ser)

Gene: SLC25A22 (solute carrier family 25 member 22; minus strand). Cytogenetic location: 11p15.5.
Variant type: single nucleotide variant.
Coding change: c.64G>A on transcript NM_001191061.2 (MANE Select); coding-DNA position 64, G replaced by A.
Protein change: p.Gly22Ser; replaces glycine 22 with serine.
Molecular consequence: missense variant.
Genome position (GRCh38, 1-based): chr11:794,858, C>T on the plus strand (G>A on the coding strand, the complement: SLC25A22 is on the minus strand). VCF-style: chr11-794858-C-T. GRCh37 (hg19) VCF-style: chr11-794858-C-T.
Other names: p.G22S:GGT>AGT; c.64G>A, p.Gly22Ser (NM_001191060.2, NM_024698.6); short protein forms G22S.
Identifiers: ClinVar variation 207158 (VCV000207158.15), dbSNP rs757575372, ClinGen allele CA318354.
Genomic context (GRCh38, chr11:794,858, plus strand): 5'-CGTTCTGCTGGTTCTGCAGCCTGGTCTTGGCCAGGTCGATGGGAAACACGCAGGTGACAC[C>T]GATCAGCCCGGCGATGCCGCCATTGATGAGCTTGGCTGGCAGGCTGTGTGGACAGGGGTG-3'
Protein context (NP_001177990.1, residues 12-32): LINGGIAGLI[Gly22Ser]VTCVFPIDLA